The following is an entry in ClinVar:

NM_019842.4(KCNQ5):c.1248-3593T>C

Gene: KCNQ5 (potassium voltage-gated channel subfamily Q member 5; plus strand). Cytogenetic location: 6q13.
Variant type: single nucleotide variant.
Coding change: c.1248-3593T>C on transcript NM_019842.4 (MANE Select); 3593 bases into the intron before coding-DNA position 1248, T replaced by C.
Molecular consequence: intron variant. On other transcripts: missense variant (2).
Genome position (GRCh38, 1-based): chr6:73,129,828, T>C. VCF-style: chr6-73129828-T-C. GRCh37 (hg19) VCF-style: chr6-73839551-T-C.
Other names: c.1256T>C, p.Met419Thr (NM_001160132.2); c.1283T>C, p.Met428Thr (NM_001160133.2); c.1247+5316T>C (NM_001160134.2); c.1221-3593T>C (NM_001160130.2); short protein forms M419T, M428T.
Identifiers: ClinVar variation 2636937 (VCV002636937.1), dbSNP rs1464713928, ClinGen allele CA364827651.

ClinVar aggregate classification (germline): Uncertain significance (1 of 4 stars; one submission).

Conditions:
KCNQ5-related disorder. Also called: KCNQ5-related condition.

Allele frequency attached by ClinVar (database versions not stated): gnomAD 0.00001; TOPMed 0.00001.
gnomAD v4.1: 4 of 1,613,038 alleles (0.00025%); highest among the groups gnomAD compares: Non-Finnish European, 0.00025%; no homozygotes.

Submission:

PreventionGenetics, part of Exact Sciences
Classification: Uncertain significance for KCNQ5-related condition. Last evaluated: 2022-10-04. Review status: criteria provided, single submitter. Criteria: ACMG Guidelines, 2015. Collection method: clinical testing. Allele origin: germline.
Comment: The KCNQ5 c.1283T>C variant is predicted to result in the amino acid substitution p.Met428Thr. To our knowledge, this variant has not been reported in the literature or in a large population database, indicating this variant is rare. At this time, the clinical significance of this variant is uncertain due to the absence of conclusive functional and genetic evidence.